The following is an entry in ClinVar:

NM_001040108.2(MLH3):c.3605G>C (p.Cys1202Ser)

Gene: MLH3 (mutL homolog 3; minus strand). Cytogenetic location: 14q24.3.
Variant type: single nucleotide variant.
Coding change: c.3605G>C on transcript NM_001040108.2 (MANE Select); coding-DNA position 3605, G replaced by C.
Protein change: p.Cys1202Ser; replaces cysteine 1202 with serine.
Molecular consequence: missense variant.
Genome position (GRCh38, 1-based): chr14:75,038,378, C>G on the plus strand (G>C on the coding strand, the complement: MLH3 is on the minus strand). VCF-style: chr14-75038378-C-G. GRCh37 (hg19) VCF-style: chr14-75505081-C-G.
Other names: c.3605G>C, p.Cys1202Ser (NM_014381.3); short protein forms C1202S.
Identifiers: ClinVar variation 3396700 (VCV003396700.1).

ClinVar aggregate classification (germline): Uncertain significance (1 of 4 stars; one submission).

Submission:

Ambry Genetics
Classification: Uncertain significance. Last evaluated: 2024-08-26. Review status: criteria provided, single submitter. Criteria: Ambry Variant Classification Scheme 2023. Collection method: clinical testing. Allele origin: germline.
Comment: The p.C1202S variant (also known as c.3605G>C), located in coding exon 5 of the MLH3 gene, results from a G to C substitution at nucleotide position 3605. The cysteine at codon 1202 is replaced by serine, an amino acid with dissimilar properties. This amino acid position is conserved. In addition, this alteration is predicted to be deleterious by in silico analysis. Based on the available evidence, the clinical significance of this variant remains unclear.